The following is an entry in ClinVar:

ClinVar aggregate classification (germline): Uncertain significance (1 of 4 stars; one submission).

Conditions:
Hypogonadotropic hypogonadism 2 with or without anosmia (HH2). Also called: HYPOGONADOTROPIC HYPOGONADISM 2 WITH OR WITHOUT ANOSMIA, SUSCEPTIBILITY TO; HYPOGONADOTROPIC HYPOGONADISM 2 WITHOUT ANOSMIA, SUSCEPTIBILITY TO; HYPOGONADOTROPIC HYPOGONADISM 2 WITHOUT ANOSMIA; FGFR1-Related GnRH Deficiency (Kallmann Syndrome 2). Identifiers: Orphanet 478, MedGen C1563720, MONDO:0007844, OMIM 147950. Disease mechanism: loss of function.

Submission:

Genetics and Molecular Pathology, SA Pathology
Classification: Uncertain significance for Hypogonadotropic hypogonadism 2 with or without anosmia. Last evaluated: 2023-01-06. Review status: criteria provided, single submitter. Criteria: ACMG Guidelines, 2015. Collection method: clinical testing. Allele origin: germline. Inheritance: Autosomal dominant inheritance. Affected: yes.
Comment: The FGFR1 c.113dup variant is classified as LIKELY PATHOGENIC (PVS1_Strong, PM2). This FGFR1 c.113dup variant is located in exon 3/18 and is predicted to cause a shift in the reading frame at codon 39 (PVS1_Strong). This variant is absent from population databases (PM2). This variant has not been reported in dbSNP, ClinVar or HGMD.

NM_023110.3(FGFR1):c.113dup (p.Glu39fs)

Gene: FGFR1 (fibroblast growth factor receptor 1; minus strand). Cytogenetic location: 8p11.23.
Variant type: Duplication.
Coding change: c.113dup on transcript NM_023110.3 (MANE Select); coding-DNA position 113, one base duplicated (T; older notation c.113dupT).
Protein change: p.Glu39fs; shifts the reading frame from glutamic acid 39.
Molecular consequence: frameshift variant. On other transcripts: intron variant (5).
Genome position (GRCh38, 1-based): chr8:38,429,927, A duplicated on the plus strand (T on the coding strand, the reverse complement: FGFR1 is on the minus strand). VCF-style (leftmost placement, unchanged base first): chr8-38429926-C-CA. GRCh37 (hg19) VCF-style: chr8-38287444-C-CA.
Other names: c.113dupT (NM_023110.3); c.113dup, p.Glu39Glyfs (NM_000604.2); c.113dup, p.Glu39fs (NM_001174063.2, NM_001174065.2, NM_001354367.2 and 3 more transcripts); c.89dup, p.Glu31fs (NM_001174064.2); c.212dup, p.Glu72fs (NM_001174067.2); c.92-1492dup (NM_001354368.2, NM_001354370.2, NM_023106.3 and 2 more transcripts); short protein forms E31fs, E39fs, E72fs.
Identifiers: ClinVar variation 2664764 (VCV002664764.1), dbSNP rs2537271374, ClinGen allele CA2573332435.
Genomic context (GRCh38, chr8:38,429,926, plus strand): 5'-CCGCAGCCGACAGCGAAGCTGCAGCAGGTCACCGGGGTGGACCAGGAAGGACTCCACTTC[C>CA]ACAGGGGCTCCCCAGGGCTGGGCTGCAGCCACCACGGGGCCGGGAAGGGAAGCCAAGGGG-3'